The following is an entry in ClinVar:

ClinVar aggregate classification (germline): Pathogenic/Likely pathogenic. Review status: criteria provided, multiple submitters, no conflicts (2 of 4 stars). 5 submissions from 5 submitters: Pathogenic (2); Likely pathogenic (3). Last evaluated 2024-07-16.

Conditions:
Developmental and epileptic encephalopathy, 13 (DEE13). Also called: Early infantile epileptic encephalopathy 13; SCN8A-Related Epilepsy; Developmental and Epileptic Encephalopathy (SCN8A-DEE). Identifiers: Orphanet 442835, MedGen C3281191, MONDO:0013801, OMIM 614558.
Cognitive impairment with or without cerebellar ataxia (CIAT). Identifiers: MedGen C3280415, MONDO:0013680, OMIM 614306.
SCN8A-related disorder.

Submissions (5):

Blueprint Genetics
Classification: Likely pathogenic for SCN8A-related disorders. Last evaluated: 2024-07-16. Review status: criteria provided, single submitter. Criteria: ACMG Guidelines, 2015. Collection method: clinical testing. Allele origin: de novo. Affected: yes. Observed: 1 variant allele.

3billion
Classification: Pathogenic for Developmental and epileptic encephalopathy, 13. Last evaluated: 2023-02-23. Review status: criteria provided, single submitter. Criteria: ACMG Guidelines, 2015. Collection method: clinical testing. Allele origin: unknown. Affected: yes.
Comment: The variant is not observed in the gnomAD v2.1.1 dataset. Missense changes are a common disease-causing mechanism. In silico tool predictions suggest damaging effect of the variant on gene or gene product (REVEL: 0.92; 3Cnet: 0.95). Same nucleotide change resulting in same amino acid change has been previously reported as pathogenic/likely pathogenic with strong evidence (ClinVar ID: VCV000495260). The variant has been previously reported as assumed (i.e. paternity and maternity not confirmed) de novo in at least two similarly affected unrelated individuals (PMID: 31780880). A different missense change at the same codon (p.Ala874Ser) has been reported as pathogenic/likely pathogenic with strong evidence (ClinVar ID: VCV000393169). Therefore, this variant is classified as Pathogenic according to the recommendation of ACMG/AMP guideline.

Mendelics
Classification: Pathogenic for Cognitive impairment with or without cerebellar ataxia. Last evaluated: 2022-05-04. Review status: criteria provided, single submitter. Criteria: Mendelics Assertion Criteria 2019. Collection method: clinical testing. Allele origin: germline.

Undiagnosed Diseases Network, NIH
Classification: Likely pathogenic for Developmental and epileptic encephalopathy, 13. Last evaluated: 2018-12-17. Review status: criteria provided, single submitter. Criteria: ACMG Guidelines, 2015. Collection method: clinical testing. Allele origin: de novo. Inheritance: Autosomal dominant inheritance. Affected: yes. Observed: 1 variant allele, 1 heterozygote.

NeuroMeGen, Hospital Clinico Santiago de Compostela
Classification: Likely pathogenic for Developmental and epileptic encephalopathy, 13. Last evaluated: 2018-01-01. Review status: criteria provided, single submitter. Criteria: ACMG Guidelines, 2015. Collection method: clinical testing. Allele origin: de novo. Affected: yes. Observed: 1 heterozygote.

Literature cited by the submitters: PubMed 31780880 (cited by 3billion).

NM_001330260.2(SCN8A):c.2620G>A (p.Ala874Thr)

Gene: SCN8A (sodium voltage-gated channel alpha subunit 8; plus strand). Cytogenetic location: 12q13.13.
Variant type: single nucleotide variant.
Coding change: c.2620G>A on transcript NM_001330260.2 (MANE Select); coding-DNA position 2620, G replaced by A.
Protein change: p.Ala874Thr; replaces alanine 874 with threonine.
Molecular consequence: missense variant.
Genome position (GRCh38, 1-based): chr12:51,765,746, G>A. VCF-style: chr12-51765746-G-A. GRCh37 (hg19) VCF-style: chr12-52159530-G-A.
Other names: c.2620G>A, p.Ala874Thr (NM_001177984.3, NM_001369788.1, NM_014191.4); short protein forms A874T.
Identifiers: ClinVar variation 495260 (VCV000495260.7), dbSNP rs1057524820, ClinGen allele CA384887219.